The following is an entry in ClinVar:

NM_005589.4(ALDH6A1):c.623T>C (p.Met208Thr)

Genes: ALDH6A1 (aldehyde dehydrogenase 6 family member A1; minus strand), BBOF1 (basal body orientation factor 1; plus strand). Cytogenetic location: 14q24.3.
Variant type: single nucleotide variant.
Coding change: c.623T>C on transcript NM_005589.4 (MANE Select); coding-DNA position 623, T replaced by C.
Protein change: p.Met208Thr; replaces methionine 208 with threonine.
Molecular consequence: missense variant.
Genome position (GRCh38, 1-based): chr14:74,071,302, A>G on the plus strand (T>C on the coding strand, the complement: ALDH6A1 is on the minus strand). VCF-style: chr14-74071302-A-G. GRCh37 (hg19) VCF-style: chr14-74538005-A-G.
Other names: c.584T>C, p.Met195Thr (NM_001278593.2); c.161T>C, p.Met54Thr (NM_001278594.2); short protein forms M208T, M195T, M54T.
Identifiers: ClinVar variation 2052330 (VCV002052330.4), dbSNP rs2060545773, ClinGen allele CA390371626.

ClinVar aggregate classification (germline): Uncertain significance (1 of 4 stars; one submission).

Allele frequency attached by ClinVar (database versions not stated): gnomAD exomes below 0.00001; TOPMed below 0.00001.
gnomAD v4.1: 4 of 1,614,210 alleles (0.00025%); highest among the groups gnomAD compares: Non-Finnish European, 0.00034%; no homozygotes.

Submission:

Labcorp Genetics (formerly Invitae), Labcorp
Classification: Uncertain significance. Last evaluated: 2024-12-16. Review status: criteria provided, single submitter. Criteria: Invitae Variant Classification Sherloc (09022015). Collection method: clinical testing. Allele origin: germline.
Comment: This sequence change replaces methionine, which is neutral and non-polar, with threonine, which is neutral and polar, at codon 208 of the ALDH6A1 protein (p.Met208Thr). This variant is not present in population databases (gnomAD no frequency). This variant has not been reported in the literature in individuals affected with ALDH6A1-related conditions. ClinVar contains an entry for this variant (Variation ID: 2052330). Invitae Evidence Modeling of protein sequence and biophysical properties (such as structural, functional, and spatial information, amino acid conservation, physicochemical variation, residue mobility, and thermodynamic stability) indicates that this missense variant is not expected to disrupt ALDH6A1 protein function with a negative predictive value of 95%. In summary, the available evidence is currently insufficient to determine the role of this variant in disease. Therefore, it has been classified as a Variant of Uncertain Significance.